The following is an entry in ClinVar:

NM_001375524.1(TRRAP):c.9847+5G>A

Gene: TRRAP (transformation/transcription domain associated protein; plus strand). Cytogenetic location: 7q22.1.
Variant type: single nucleotide variant.
Coding change: c.9847+5G>A on transcript NM_001375524.1 (MANE Select); 5 bases into the intron after coding-DNA position 9847, G replaced by A.
Molecular consequence: intron variant.
Genome position (GRCh38, 1-based): chr7:98,992,232, G>A. VCF-style: chr7-98992232-G-A. GRCh37 (hg19) VCF-style: chr7-98589855-G-A.
Other names: c.9859+5G>A (NM_001244580.2); c.9772+5G>A (NM_003496.4, NM_003496.3).
Identifiers: ClinVar variation 3608221 (VCV003608221.4).

ClinVar aggregate classification (germline): Uncertain significance. Review status: criteria provided, multiple submitters, no conflicts (2 of 4 stars). 2 submissions from 2 submitters: Uncertain significance (2). Last evaluated 2025-03-31.

Conditions:
TRRAP-related disorder. Also called: TRRAP-related condition.

gnomAD v4.1: 87 of 1,613,864 alleles (0.0054%); highest among the groups gnomAD compares: East Asian, 0.18%; no homozygotes.

Submissions (4):

PreventionGenetics, part of Exact Sciences
Classification: Uncertain significance for TRRAP-related condition. Last evaluated: 2025-03-31. Review status: criteria provided, single submitter. Criteria: ACMG Guidelines, 2015. Collection method: clinical testing. Allele origin: germline.
Comment: The TRRAP c.9772+5G>A variant is predicted to interfere with splicing. This variant is predicted to alter splicing based on available splicing prediction software (SpliceAI, Jaganathan et al. 2019. PubMed ID: 30661751). However, the use of computer prediction softwares is not equivalent to functional evidence. To our knowledge, this variant has not been reported in the literature. This variant is reported in 0.027% of alleles in individuals of East Asian descent in gnomAD. Although we suspect that this variant may be benign, at this time, the clinical significance of this variant is uncertain due to the absence of conclusive functional and genetic evidence.

Labcorp Genetics (formerly Invitae), Labcorp
Classification: Uncertain significance. Last evaluated: 2024-04-15. Review status: criteria provided, single submitter. Criteria: Invitae Variant Classification Sherloc (09022015). Collection method: clinical testing. Allele origin: germline.
Comment: This sequence change falls in intron 63 of the TRRAP gene. It does not directly change the encoded amino acid sequence of the TRRAP protein. It affects a nucleotide within the consensus splice site. This variant is present in population databases (rs558634680, gnomAD 0.03%). This variant has not been reported in the literature in individuals affected with TRRAP-related conditions. Variants that disrupt the consensus splice site are a relatively common cause of aberrant splicing (PMID: 17576681, 9536098). Algorithms developed to predict the effect of sequence changes on RNA splicing suggest that this variant is not likely to affect RNA splicing. In summary, the available evidence is currently insufficient to determine the role of this variant in disease. Therefore, it has been classified as a Variant of Uncertain Significance.

Dr. Peter K. Rogan Lab, Western University
No classification provided (evidence only). Condition: Hepatocellular carcinoma. Review status: no classification provided. Collection method: in vitro. Allele origin: not applicable. Functional consequence: retained intron. Not counted in ClinVar's aggregate classification.

Dr. Peter K. Rogan Lab, Western University
No classification provided (evidence only). Condition: Hepatocellular carcinoma. Review status: no classification provided. Collection method: in vitro. Allele origin: not applicable. Functional consequence: retained intron. Not counted in ClinVar's aggregate classification.

Literature cited by the submitters: PubMed 17576681 (cited by Labcorp Genetics (formerly Invitae), Labcorp); PubMed 9536098 (cited by Labcorp Genetics (formerly Invitae), Labcorp).